The following is an entry in ClinVar:

NM_006947.4(SRP72):c.751C>A (p.Gln251Lys)

Gene: SRP72 (signal recognition particle 72; plus strand). Cytogenetic location: 4q12.
Variant type: single nucleotide variant.
Coding change: c.751C>A on transcript NM_006947.4 (MANE Select); coding-DNA position 751, C replaced by A.
Protein change: p.Gln251Lys; replaces glutamine 251 with lysine.
Molecular consequence: missense variant. On other transcripts: non-coding transcript variant (1), intron variant (1).
Genome position (GRCh38, 1-based): chr4:56,478,487, C>A. VCF-style: chr4-56478487-C-A. GRCh37 (hg19) VCF-style: chr4-57344653-C-A.
Other names: c.642+1785C>A (NM_001267722.2); short protein forms Q251K.
Identifiers: ClinVar variation 4865126 (VCV004865126.1).

ClinVar aggregate classification (germline): Uncertain significance (1 of 4 stars; one submission).

Submission:

Ambry Genetics
Classification: Uncertain significance. Last evaluated: 2026-04-12. Review status: criteria provided, single submitter. Criteria: Ambry Variant Classification Scheme 2023. Collection method: clinical testing. Allele origin: germline.
Comment: The p.Q251K variant (also known as c.751C>A), located in coding exon 7 of the SRP72 gene, results from a C to A substitution at nucleotide position 751. The glutamine at codon 251 is replaced by lysine, an amino acid with similar properties. This amino acid position is conserved. In addition, the in silico prediction for this alteration is inconclusive. Based on the available evidence, the clinical significance of this variant remains unclear.